The following is an entry in ClinVar:

ClinVar aggregate classification (germline): Uncertain significance (1 of 4 stars; one submission).

Submission:

Labcorp Genetics (formerly Invitae), Labcorp
Classification: Uncertain significance. Last evaluated: 2026-01-13. Review status: criteria provided, single submitter. Criteria: Invitae Variant Classification Sherloc (09022015). Collection method: clinical testing. Allele origin: germline.
Comment: This sequence change replaces glycine, which is neutral and non-polar, with serine, which is neutral and polar, at codon 1375 of the LRP6 protein (p.Gly1375Ser). This variant is not present in population databases (gnomAD no frequency). This variant has not been reported in the literature in individuals affected with LRP6-related conditions. Invitae Evidence Modeling of protein sequence and biophysical properties (such as structural, functional, and spatial information, amino acid conservation, physicochemical variation, residue mobility, and thermodynamic stability) indicates that this missense variant is not expected to disrupt LRP6 protein function with a negative predictive value of 80%. In summary, the available evidence is currently insufficient to determine the role of this variant in disease. Therefore, it has been classified as a Variant of Uncertain Significance.

NM_002336.3(LRP6):c.4123G>A (p.Gly1375Ser)

Gene: LRP6 (LDL receptor related protein 6; minus strand). Cytogenetic location: 12p13.2.
Variant type: single nucleotide variant.
Coding change: c.4123G>A on transcript NM_002336.3 (MANE Select); coding-DNA position 4123, G replaced by A.
Protein change: p.Gly1375Ser; replaces glycine 1375 with serine.
Molecular consequence: missense variant. On other transcripts: non-coding transcript variant (1).
Genome position (GRCh38, 1-based): chr12:12,126,880, C>T on the plus strand (G>A on the coding strand, the complement: LRP6 is on the minus strand). VCF-style: chr12-12126880-C-T. GRCh37 (hg19) VCF-style: chr12-12279814-C-T.
Other names: c.4216G>A, p.Gly1406Ser (NM_001414244.1); c.4123G>A, p.Gly1375Ser (NM_001414245.1, NM_001414248.1, NM_001414249.1 and 1 more transcripts); c.3988G>A, p.Gly1330Ser (NM_001414246.1); c.3925G>A, p.Gly1309Ser (NM_001414247.1); c.3760G>A, p.Gly1254Ser (NM_001414251.1); c.3670G>A, p.Gly1224Ser (NM_001414252.1, NM_001414253.1, NM_001414254.1); c.3616G>A, p.Gly1206Ser (NM_001414255.1); short protein forms G1254S, G1406S, G1375S, G1206S, G1224S, G1309S, G1330S.
Identifiers: ClinVar variation 4774243 (VCV004774243.1).